The following is an entry in ClinVar:

ClinVar aggregate classification (germline): Uncertain significance (1 of 4 stars; one submission).

Conditions:
Reticular dysgenesis. Also called: ALEUKOCYTOSIS; CONGENITAL ALEUKIA; HEMATOPOIETIC HYPOPLASIA, GENERALIZED; RETICULAR DYSGENESIA; SEVERE COMBINED IMMUNODEFICIENCY WITH LEUKOPENIA; DeVaal disease. Identifiers: Orphanet 33355, MedGen C0272167, MONDO:0009973, OMIM 267500.

Submission:

Labcorp Genetics (formerly Invitae), Labcorp
Classification: Uncertain significance for Reticular dysgenesis. Last evaluated: 2022-06-13. Review status: criteria provided, single submitter. Criteria: Invitae Variant Classification Sherloc (09022015). Collection method: clinical testing. Allele origin: germline.
Comment: In summary, the available evidence is currently insufficient to determine the role of this variant in disease. Therefore, it has been classified as a Variant of Uncertain Significance. Algorithms developed to predict the effect of missense changes on protein structure and function are either unavailable or do not agree on the potential impact of this missense change (SIFT: "Deleterious"; PolyPhen-2: "Possibly Damaging"; Align-GVGD: "Class C0"). This variant has not been reported in the literature in individuals affected with AK2-related conditions. This variant is not present in population databases (gnomAD no frequency). This sequence change replaces alanine, which is neutral and non-polar, with proline, which is neutral and non-polar, at codon 52 of the AK2 protein (p.Ala52Pro).

NM_001625.4(AK2):c.154G>C (p.Ala52Pro)

Gene: AK2 (adenylate kinase 2; minus strand). Cytogenetic location: 1p35.1.
Variant type: single nucleotide variant.
Coding change: c.154G>C on transcript NM_001625.4 (MANE Select); coding-DNA position 154, G replaced by C.
Protein change: p.Ala52Pro; replaces alanine 52 with proline.
Molecular consequence: missense variant. On other transcripts: non-coding transcript variant (1), intron variant (1).
Genome position (GRCh38, 1-based): chr1:33,024,507, C>G on the plus strand (G>C on the coding strand, the complement: AK2 is on the minus strand). VCF-style: chr1-33024507-C-G. GRCh37 (hg19) VCF-style: chr1-33490108-C-G.
Other names: c.154G>C, p.Ala52Pro (NM_001199199.3, NM_001319141.3, NM_001319143.2 and 1 more transcripts); c.10G>C, p.Ala4Pro (NM_001319139.3, NM_001319140.2); c.94-2804G>C (NM_001319142.3); short protein forms A4P, A52P.
Identifiers: ClinVar variation 1397277 (VCV001397277.8), dbSNP rs1553152678, ClinGen allele CA339702925.
Genomic context (GRCh38, chr1:33,024,507, plus strand): 5'-TCCCAGCATCCATAGTTGCCTTCAGCTTTTTTCCTAGCTCTGAGCCAGAAGCCACCATGG[C>G]CCTCAGCATGTCCCCAGTAGCTAAATGGCAGACACAGAAGTTTTCAGCCAATCTGGGTGC-3'
Protein context (NP_001616.1, residues 42-62): CHLATGDMLR[Ala52Pro]MVASGSELGK